The following is an entry in ClinVar:

NM_000260.4(MYO7A):c.4181A>G (p.Gln1394Arg)

Gene: MYO7A (myosin VIIA; plus strand). Cytogenetic location: 11q13.5.
Variant type: single nucleotide variant.
Coding change: c.4181A>G on transcript NM_000260.4 (MANE Select); coding-DNA position 4181, A replaced by G.
Protein change: p.Gln1394Arg; replaces glutamine 1394 with arginine.
Molecular consequence: missense variant.
Genome position (GRCh38, 1-based): chr11:77,194,382, A>G. VCF-style: chr11-77194382-A-G. GRCh37 (hg19) VCF-style: chr11-76905427-A-G.
Other names: c.4181A>G, p.Gln1394Arg (NM_001127180.2); c.4148A>G, p.Gln1383Arg (NM_001369365.1); c.4181A>G (NM_000260.3); short protein forms Q1383R, Q1394R.
Identifiers: ClinVar variation 4737693 (VCV004737693.2).

ClinVar aggregate classification (germline): Uncertain significance. Review status: criteria provided, multiple submitters, no conflicts (2 of 4 stars). 2 submissions from 2 submitters: Uncertain significance (2). Last evaluated 2025-10-13.

Conditions:
MYO7A-related disorder. Also called: MYO7A-related disorders.

Submissions (2):

Labcorp Genetics (formerly Invitae), Labcorp
Classification: Uncertain significance. Last evaluated: 2025-10-13. Review status: criteria provided, single submitter. Criteria: Invitae Variant Classification Sherloc (09022015). Collection method: clinical testing. Allele origin: germline.
Comment: This sequence change replaces glutamine, which is neutral and polar, with arginine, which is basic and polar, at codon 1394 of the MYO7A protein (p.Gln1394Arg). This variant is present in population databases (no rsID available, gnomAD 0.004%). This variant has not been reported in the literature in individuals affected with MYO7A-related conditions. Invitae Evidence Modeling of protein sequence and biophysical properties (such as structural, functional, and spatial information, amino acid conservation, physicochemical variation, residue mobility, and thermodynamic stability) indicates that this missense variant is not expected to disrupt MYO7A protein function with a negative predictive value of 95%. In summary, the available evidence is currently insufficient to determine the role of this variant in disease. Therefore, it has been classified as a Variant of Uncertain Significance.

PreventionGenetics, part of Exact Sciences
Classification: Uncertain significance for MYO7A-related condition. Last evaluated: 2024-12-13. Review status: criteria provided, single submitter. Criteria: ACMG Guidelines, 2015. Collection method: clinical testing. Allele origin: germline.
Comment: The MYO7A c.4181A>G variant is predicted to result in the amino acid substitution p.Gln1394Arg. To our knowledge, this variant has not been reported in the literature. This variant is reported in 0.0042% of alleles in individuals of African descent in gnomAD. At this time, the clinical significance of this variant is uncertain due to the absence of conclusive functional and genetic evidence.